The following is an entry in ClinVar:

ClinVar aggregate classification (germline): Uncertain significance (1 of 4 stars; one submission).

Submission:

GeneDx
Classification: Uncertain significance. Last evaluated: 2026-10-26. Review status: criteria provided, single submitter. Criteria: GeneDx Variant Classification Process June 2021. Collection method: clinical testing. Allele origin: germline.
Comment: Not observed at significant frequency in large population cohorts (gnomAD); In silico analysis suggests that this missense variant does not alter protein structure/function; Has not been previously published as pathogenic or benign to our knowledge

NM_001128.6(AP1G1):c.2098A>G (p.Ile700Val)

Gene: AP1G1 (adaptor related protein complex 1 subunit gamma 1; minus strand). Cytogenetic location: 16q22.2.
Variant type: single nucleotide variant.
Coding change: c.2098A>G on transcript NM_001128.6 (MANE Select); coding-DNA position 2098, A replaced by G.
Protein change: p.Ile700Val; replaces isoleucine 700 with valine.
Molecular consequence: missense variant.
Genome position (GRCh38, 1-based): chr16:71,739,243, T>C on the plus strand (A>G on the coding strand, the complement: AP1G1 is on the minus strand). VCF-style: chr16-71739243-T-C. GRCh37 (hg19) VCF-style: chr16-71773146-T-C.
Other names: c.2107A>G, p.Ile703Val (NM_001030007.2); short protein forms I700V, I703V.
Identifiers: ClinVar variation 4536319 (VCV004536319.2).
Genomic context (GRCh38, chr16:71,739,243, plus strand): 5'-CATCTCATTACTCAGTGCTCCATGTAATGATGGTAACAACAGTCATCGTACCTGCAGCAA[T>C]ATCATTGAAGAGAGGCTGTGATGAAAGCCCATCCAACAAGAAGGGGGGCTGGGATATCTG-3'
Protein context (NP_001119.3, residues 690-710): GLSSQPLFND[Ile700Val]AAGIPSITAY